The following is an entry in ClinVar:

ClinVar aggregate classification (germline): Uncertain significance (1 of 4 stars; one submission).

gnomAD v4.1: 1 of 1,605,976 alleles (0.000062%); highest among the groups gnomAD compares: Non-Finnish European, 0.000085%; no homozygotes.

Submission:

Ambry Genetics
Classification: Uncertain significance. Last evaluated: 2025-01-06. Review status: criteria provided, single submitter. Criteria: Ambry Variant Classification Scheme 2023. Collection method: clinical testing. Allele origin: germline.
Comment: The c.7G>A (p.G3S) alteration is located in exon 1 (coding exon 1) of the HIST1H4C gene. This alteration results from a G to A substitution at nucleotide position 7, causing the glycine (G) at amino acid position 3 to be replaced by a serine (S). Based on data from gnomAD, the A allele has an overall frequency of 0.003% (1/31360) total alleles studied. The highest observed frequency was 0.007% (1/15420) of European (non-Finnish) alleles. This amino acid position is highly conserved in available vertebrate species. This alteration is predicted to be deleterious by in silico analysis. Based on insufficient or conflicting evidence, the clinical significance of this alteration remains unclear.

NM_003542.4(H4C3):c.7G>A (p.Gly3Ser)

Gene: H4C3 (H4 clustered histone 3; plus strand). Cytogenetic location: 6p22.2.
Variant type: single nucleotide variant.
Coding change: c.7G>A on transcript NM_003542.4 (MANE Select); coding-DNA position 7, G replaced by A.
Protein change: p.Gly3Ser; replaces glycine 3 with serine.
Molecular consequence: missense variant.
Genome position (GRCh38, 1-based): chr6:26,103,954, G>A. VCF-style: chr6-26103954-G-A. GRCh37 (hg19) VCF-style: chr6-26104182-G-A.
Other names: short protein forms G3S.
Identifiers: ClinVar variation 3523763 (VCV003523763.2).
Genomic context (GRCh38, chr6:26,103,954, plus strand): 5'-AAGTTTGTATTTAAGGAACTGTTTCAGTTCATACCTTCCACTGCGATAGGAATCATGTCT[G>A]GTCGCGGCAAAGGCGGAAAAGGCTTGGGGAAGGGTGGTGCTAAGCGCCATCGTAAGGTGC-3'
Protein context (NP_003533.1, residues 1-13): MS[Gly3Ser]RGKGGKGLGK